The following is an entry in ClinVar:

NM_015991.4(C1QA):c.738A>G (p.Ter246Trp)

Gene: C1QA (complement C1q A chain; plus strand). Cytogenetic location: 1p36.12.
Variant type: single nucleotide variant.
Coding change: c.738A>G on transcript NM_015991.4 (MANE Select); coding-DNA position 738, A replaced by G.
Protein change: p.Ter246Trp.
Molecular consequence: stop lost.
Genome position (GRCh38, 1-based): chr1:22,639,407, A>G. VCF-style: chr1-22639407-A-G. GRCh37 (hg19) VCF-style: chr1-22965900-A-G.
Other names: c.738A>G, p.Ter246Trp (NM_001347465.2, NM_001347466.2).
Identifiers: ClinVar variation 3339797 (VCV003339797.1).
Genomic context (GRCh38, chr1:22,639,407, plus strand): 5'-TTACCAGGGCTCTGAGGCCGACAGCGTCTTCAGCGGCTTCCTCATCTTCCCATCTGCCTG[A>G]GCCAGGGAAGGACCCCCTCCCCCACCCACCTCTCTGGCTTCCATGCTCCGCCTGTAAAAT-3'

ClinVar aggregate classification (germline): Uncertain significance (1 of 4 stars; one submission).

Submission:

Women's Health and Genetics/Laboratory Corporation of America, LabCorp
Classification: Uncertain significance. Last evaluated: 2024-06-25. Review status: criteria provided, single submitter. Criteria: LabCorp Variant Classification Summary - May 2015. Collection method: clinical testing. Allele origin: germline.
Comment: Variant summary: C1QA c.738A>G (p.X246TrpextX19) changes the termination codon and is predicted to lead to an extended protein with additional amino acids added to the normal C-terminus. The variant was absent in 247444 control chromosomes (gnomAD). The available data on variant occurrences in the general population are insufficient to allow any conclusion about variant significance. To our knowledge, no occurrence of c.738A>G in individuals affected with C1Q deficiency 1 and no experimental evidence demonstrating its impact on protein function have been reported. No submitters have cited clinical-significance assessments for this variant to ClinVar. Based on the evidence outlined above, the variant was classified as uncertain significance.